The following is an entry in ClinVar:

ClinVar aggregate classification (germline): Likely benign (0 of 4 stars; one submission).

Conditions:
CDS1-related disorder. Also called: CDS1-related condition.

Allele frequency attached by ClinVar (database versions not stated): 1000 Genomes Project 0.00040; gnomAD 0.00096; TOPMed 0.00097; 1000 Genomes Project 30x 0.00109; ExAC 0.00111; ESP Exome Variant Server 0.00146; gnomAD exomes 0.00148.
gnomAD v4.1: 2,295 of 1,612,064 alleles (0.14%); highest among the groups gnomAD compares: South Asian, 0.44%; 7 homozygotes.

Submission:

PreventionGenetics, part of Exact Sciences
Classification: Likely benign for CDS1-related condition. Last evaluated: 2020-03-16. Review status: no assertion criteria provided. Collection method: clinical testing. Allele origin: germline.
Comment: This variant is classified as likely benign based on ACMG/AMP sequence variant interpretation guidelines (Richards et al. 2015 PMID: 25741868, with internal and published modifications).

NM_001263.4(CDS1):c.143G>C (p.Gly48Ala)

Gene: CDS1 (CDP-diacylglycerol synthase 1; plus strand). Cytogenetic location: 4q21.23.
Variant type: single nucleotide variant.
Coding change: c.143G>C on transcript NM_001263.4 (MANE Select); coding-DNA position 143, G replaced by C.
Protein change: p.Gly48Ala; replaces glycine 48 with alanine.
Molecular consequence: missense variant.
Genome position (GRCh38, 1-based): chr4:84,604,268, G>C. VCF-style: chr4-84604268-G-C. GRCh37 (hg19) VCF-style: chr4-85525421-G-C.
Other names: short protein forms G48A.
Identifiers: ClinVar variation 3041961 (VCV003041961.2), dbSNP rs118099717, ClinGen allele CA2991512.
Genomic context (GRCh38, chr4:84,604,268, plus strand): 5'-TGATTTTGCAAAGTAATTTGTCTTTTTAATTTTAGGAAACAGATATTGATGACAGATATG[G>C]AGATTTGGATTCCAGAACAGATTCTGATATTCCGGAAATTCCACCATCCTCAGATAGAAC-3'
Protein context (NP_001254.2, residues 38-58): DKETDIDDRY[Gly48Ala]DLDSRTDSDI